The following is an entry in ClinVar:

ClinVar aggregate classification (germline): Uncertain significance (1 of 4 stars; one submission).

Conditions:
CIC-related disorder. Also called: CIC-related condition.

gnomAD v4.1: 2 of 398,672 alleles (0.0005%); highest among the groups gnomAD compares: Non-Finnish European, 0.00088%; no homozygotes.

Submission:

PreventionGenetics, part of Exact Sciences
Classification: Uncertain significance for CIC-related condition. Last evaluated: 2025-09-18. Review status: criteria provided, single submitter. Criteria: ACMG Guidelines, 2015. Collection method: clinical testing. Allele origin: germline.
Comment: The CIC c.2570C>G variant is predicted to result in the amino acid substitution p.Pro857Arg. To our knowledge, this variant has not been reported in the literature or in a large population database (gnomAD), indicating this variant is rare. At this time, the clinical significance of this variant is uncertain due to the absence of conclusive functional and genetic evidence.

NM_001386298.1(CIC):c.2570C>G (p.Pro857Arg)

Gene: CIC (capicua transcriptional repressor; plus strand). Cytogenetic location: 19q13.2.
Variant type: single nucleotide variant.
Coding change: c.2570C>G on transcript NM_001386298.1 (MANE Select); coding-DNA position 2570, C replaced by G.
Protein change: p.Pro857Arg; replaces proline 857 with arginine.
Molecular consequence: missense variant.
Genome position (GRCh38, 1-based): chr19:42,274,353, C>G. VCF-style: chr19-42274353-C-G. GRCh37 (hg19) VCF-style: chr19-42778505-C-G.
Other names: c.2570C>G, p.Pro857Arg (NM_001304815.2, NM_001379480.1, NM_001379482.1 and 6 more transcripts); short protein forms P857R.
Identifiers: ClinVar variation 4981657 (VCV004981657.1).